The following is an entry in ClinVar:

NM_005751.5(AKAP9):c.3331C>G (p.Leu1111Val)

Gene: AKAP9 (A-kinase anchoring protein 9; plus strand). Cytogenetic location: 7q21.2.
Variant type: single nucleotide variant.
Coding change: c.3331C>G on transcript NM_005751.5 (MANE Select); coding-DNA position 3331, C replaced by G.
Protein change: p.Leu1111Val; replaces leucine 1111 with valine.
Molecular consequence: missense variant.
Genome position (GRCh38, 1-based): chr7:92,012,441, C>G. VCF-style: chr7-92012441-C-G. GRCh37 (hg19) VCF-style: chr7-91641755-C-G.
Other names: c.3331C>G, p.Leu1111Val (NM_147185.3); short protein forms L1111V.
Identifiers: ClinVar variation 1730322 (VCV001730322.2), dbSNP rs755066824, ClinGen allele CA4336287.
Genomic context (GRCh38, chr7:92,012,441, plus strand): 5'-GATTTGTCATTTAAGAATATTATAATGTTTACATATGTTTACTTTAAGAATGATTTAAGG[C>G]TACAGATGGAAGCCCAACGCATTTGCCTCTCTCTGGTTTATTCAACTCATGTGGATCAGG-3'
Protein context (NP_005742.4, residues 1101-1121): VLKSEQNDLR[Leu1111Val]QMEAQRICLS

ClinVar aggregate classification (germline): Uncertain significance (1 of 4 stars; one submission).

Conditions:
Cardiovascular phenotype. Identifiers: MedGen CN230736.

Allele frequency attached by ClinVar (database versions not stated): gnomAD 0.00001; gnomAD exomes 0.00001; ExAC 0.00002.
gnomAD v4.1: 16 of 1,613,282 alleles (0.00099%); highest among the groups gnomAD compares: South Asian, 0.018%; no homozygotes.

Submission:

Ambry Genetics
Classification: Uncertain significance for Cardiovascular phenotype. Last evaluated: 2022-07-06. Review status: criteria provided, single submitter. Criteria: Ambry Variant Classification Scheme 2023. Collection method: clinical testing. Allele origin: germline.
Comment: The p.L1111V variant (also known as c.3331C>G), located in coding exon 9 of the AKAP9 gene, results from a C to G substitution at nucleotide position 3331. The leucine at codon 1111 is replaced by valine, an amino acid with highly similar properties. This amino acid position is conserved. In addition, this alteration is predicted to be tolerated by in silico analysis. Since supporting evidence is limited at this time, the clinical significance of this alteration remains unclear.